The following is an entry in ClinVar:

NM_001018115.3(FANCD2):c.1260A>T (p.Thr420=)

Genes: FANCD2 (FA complementation group D2; plus strand), LOC107303338 (3p25 FANCD2 Alu-mediated recombination region; plus strand). Cytogenetic location: 3p25.3.
Variant type: single nucleotide variant.
Coding change: c.1260A>T on transcript NM_001018115.3 (MANE Select); coding-DNA position 1260, A replaced by T.
Protein change: p.Thr420=; no amino-acid change (threonine 420 retained).
Molecular consequence: synonymous variant.
Genome position (GRCh38, 1-based): chr3:10,046,705, A>T. VCF-style: chr3-10046705-A-T. GRCh37 (hg19) VCF-style: chr3-10088389-A-T.
Other names: c.1260A>T, p.Thr420= (NM_001319984.2, NM_001374253.1, NM_001374254.1 and 1 more transcripts).
Identifiers: ClinVar variation 3356440 (VCV003356440.1).

ClinVar aggregate classification (germline): Likely benign (0 of 4 stars; one submission).

Conditions:
FANCD2-related disorder. Also called: FANCD2-related condition.

Submission:

PreventionGenetics, part of Exact Sciences
Classification: Likely benign for FANCD2-related condition. Last evaluated: 2019-12-27. Review status: no assertion criteria provided. Collection method: clinical testing. Allele origin: germline.
Comment: This variant is classified as likely benign based on ACMG/AMP sequence variant interpretation guidelines (Richards et al. 2015 PMID: 25741868, with internal and published modifications).